The following is an entry in ClinVar:

NM_017882.3(CLN6):c.667T>C (p.Tyr223His)

Gene: CLN6 (CLN6 transmembrane ER protein; minus strand). Cytogenetic location: 15q23.
Variant type: single nucleotide variant.
Coding change: c.667T>C on transcript NM_017882.3 (MANE Select); coding-DNA position 667, T replaced by C.
Protein change: p.Tyr223His; replaces tyrosine 223 with histidine.
Molecular consequence: missense variant.
Genome position (GRCh38, 1-based): chr15:68,208,409, A>G on the plus strand (T>C on the coding strand, the complement: CLN6 is on the minus strand). VCF-style: chr15-68208409-A-G. GRCh37 (hg19) VCF-style: chr15-68500747-A-G.
Other names: short protein forms Y223H.
Identifiers: ClinVar variation 1450044 (VCV001450044.6), dbSNP rs2093194324, ClinGen allele CA392972382.

ClinVar aggregate classification (germline): Uncertain significance (1 of 4 stars; one submission).

Conditions:
Neuronal ceroid lipofuscinosis. Also called: Neuronal Ceroid Lipofuscinoses. Identifiers: Orphanet 216, Orphanet 79263, MedGen C0027877, MONDO:0016295. Disease mechanism: loss of function.

Submission:

Labcorp Genetics (formerly Invitae), Labcorp
Classification: Uncertain significance for Neuronal ceroid lipofuscinosis. Last evaluated: 2021-09-21. Review status: criteria provided, single submitter. Criteria: Invitae Variant Classification Sherloc (09022015). Collection method: clinical testing. Allele origin: germline.
Comment: In summary, the available evidence is currently insufficient to determine the role of this variant in disease. Therefore, it has been classified as a Variant of Uncertain Significance. This sequence change replaces tyrosine with histidine at codon 223 of the CLN6 protein (p.Tyr223His). The tyrosine residue is highly conserved and there is a moderate physicochemical difference between tyrosine and histidine. This variant is not present in population databases (ExAC no frequency). This variant has not been reported in the literature in individuals affected with CLN6-related conditions. Algorithms developed to predict the effect of missense changes on protein structure and function are either unavailable or do not agree on the potential impact of this missense change (SIFT: "Deleterious"; PolyPhen-2: "Probably Damaging"; Align-GVGD: "Class C0").